The following is an entry in ClinVar:

ClinVar aggregate classification (germline): Uncertain significance (1 of 4 stars; one submission).

Conditions:
Oculodentodigital dysplasia, autosomal recessive. Also called: OCULODENTOOSSEOUS DYSPLASIA, AUTOSOMAL RECESSIVE; ODDD, AUTOSOMAL RECESSIVE; ODOD, AUTOSOMAL RECESSIVE. Identifiers: Orphanet 2710, MedGen C2749477, MONDO:0009768, OMIM 257850.

Submission:

Labcorp Genetics (formerly Invitae), Labcorp
Classification: Uncertain significance for Oculodentodigital dysplasia, autosomal recessive. Last evaluated: 2020-02-17. Review status: criteria provided, single submitter. Criteria: Invitae Variant Classification Sherloc (09022015). Collection method: clinical testing. Allele origin: germline.
Comment: This sequence change results in a premature translational stop signal in the GJA1 gene (p.Asn55*). While this is not anticipated to result in nonsense mediated decay, it is expected to disrupt the last 328 amino acids of the GJA1 protein. This variant is not present in population databases (ExAC no frequency). This variant has not been reported in the literature in individuals with GJA1-related conditions. In summary, the available evidence is currently insufficient to determine the role of this variant in disease. Therefore, it has been classified as a Variant of Uncertain Significance.

NM_000165.5(GJA1):c.162dup (p.Asn55Ter)

Gene: GJA1 (gap junction protein alpha 1; plus strand). Cytogenetic location: 6q22.31.
Variant type: Duplication.
Coding change: c.162dup on transcript NM_000165.5 (MANE Select); coding-DNA position 162, one base duplicated (T; older notation c.162dupT).
Protein change: p.Asn55Ter; replaces asparagine 55 with a stop codon.
Molecular consequence: nonsense.
Genome position (GRCh38, 1-based): chr6:121,447,009, T duplicated. VCF-style (leftmost placement, unchanged base first): chr6-121447008-G-GT. GRCh37 (hg19) VCF-style: chr6-121768154-G-GT.
Other names: short protein forms N55*.
Identifiers: ClinVar variation 1051914 (VCV001051914.8), dbSNP rs2114283056, ClinGen allele CA2499218051.